The following is an entry in ClinVar:

NM_032193.4(RNASEH2C):c.61T>C (p.Leu21=)

Genes: RNASEH2C (ribonuclease H2 subunit C; minus strand), LOC130006061 (ATAC-STARR-seq lymphoblastoid silent region 3553; plus strand). Cytogenetic location: 11q13.1.
Variant type: single nucleotide variant.
Coding change: c.61T>C on transcript NM_032193.4 (MANE Select); coding-DNA position 61, T replaced by C.
Protein change: p.Leu21=; no amino-acid change (leucine 21 retained).
Molecular consequence: synonymous variant.
Genome position (GRCh38, 1-based): chr11:65,720,698, A>G on the plus strand (T>C on the coding strand, the complement: RNASEH2C is on the minus strand). VCF-style: chr11-65720698-A-G. GRCh37 (hg19) VCF-style: chr11-65488169-A-G.
Identifiers: ClinVar variation 305367 (VCV000305367.17), dbSNP rs376140250, ClinGen allele CA6107842.

ClinVar aggregate classification (germline): Benign. Review status: criteria provided, multiple submitters, no conflicts (2 of 4 stars). 4 submissions from 4 submitters: Benign (4). Last evaluated 2026-02-01.

Conditions:
Aicardi-Goutieres syndrome 3. Identifiers: Orphanet 51, MedGen C1835916, MONDO:0012471, OMIM 610329.

Allele frequency attached by ClinVar (database versions not stated): gnomAD 0.00003; TOPMed 0.00007; gnomAD exomes 0.00224; ExAC 0.00466; 1000 Genomes Project 30x 0.00531; 1000 Genomes Project 0.00599.
gnomAD v4.1: 1,725 of 1,594,188 alleles (0.11%); highest among the groups gnomAD compares: South Asian, 1.8%; 26 homozygotes.

Submissions (4):

Labcorp Genetics (formerly Invitae), Labcorp
Classification: Benign for Aicardi-Goutieres syndrome 3. Last evaluated: 2026-02-01. Review status: criteria provided, single submitter. Criteria: Invitae Variant Classification Sherloc (09022015). Collection method: clinical testing. Allele origin: germline.

Athena Diagnostics
Classification: Benign. Last evaluated: 2025-10-01. Review status: criteria provided, single submitter. Criteria: Athena Diagnostics Criteria. Collection method: clinical testing. Allele origin: unknown.
Comment: The frequency of this variant in the general population is higher than would generally be expected for pathogenic variants in this gene. Computational tools yielded predictions that this variant is unlikely to have an effect on normal RNA splicing.

Illumina Laboratory Services, Illumina
Classification: Benign for Aicardi-Goutieres syndrome 3. Last evaluated: 2018-01-13. Review status: criteria provided, single submitter. Criteria: ICSL Variant Classification Criteria 13 December 2019. Collection method: clinical testing. Allele origin: germline.
Comment: This variant was observed in the ICSL laboratory as part of a predisposition screen in an ostensibly healthy population. It had not been previously curated by ICSL or reported in the Human Gene Mutation Database (HGMD: prior to June 1st, 2018), and was therefore a candidate for classification through an automated scoring system. Utilizing variant allele frequency, disease prevalence and penetrance estimates, and inheritance mode, an automated score was calculated to assess if this variant is too frequent to cause the disease. Based on the score and internal cut-off values, a variant classified as benign is not then subjected to further curation. The score for this variant resulted in a classification of benign for this disease.

Breakthrough Genomics
Classification: Benign. Review status: criteria provided, single submitter. Criteria: ACMG Guidelines, 2015. Collection method: not provided. Allele origin: germline. Inheritance: Autosomal recessive inheritance. Affected: yes.